The following is an entry in ClinVar:

ClinVar aggregate classification (germline): Pathogenic. Review status: criteria provided, multiple submitters, no conflicts (2 of 4 stars). 8 submissions from 8 submitters: Pathogenic (7). 1 of the submissions does not count toward it. Last evaluated 2024-10-04.

Conditions:
GNAT2-related disorder. Also called: GNAT2-related condition.
Achromatopsia. Also called: Rod monochromatism. Identifiers: Orphanet 49382, MedGen C0152200, MONDO:0018852, HP:0011516.
Achromatopsia 4 (ACHM4). Identifiers: Orphanet 49382, MedGen C1841721, MONDO:0013465, OMIM 613856.

Allele frequency attached by ClinVar (database versions not stated): gnomAD exomes 0.00001 and 0.00002; TOPMed 0.00001; ExAC 0.00002; gnomAD 0.00003 and 0.00004.
gnomAD v4.1: 24 of 1,612,742 alleles (0.0015%); highest among the groups gnomAD compares: Middle Eastern, 0.016%; no homozygotes.

Submissions (8):

Dubai Health Genomic Medicine Center, Dubai Health
Classification: Pathogenic for Achromatopsia 4. Last evaluated: 2024-10-04. Review status: criteria provided, single submitter. Criteria: ACMG Guidelines, 2015. Collection method: research. Allele origin: germline. Affected: yes.
Comment: PVS1, PM3 (moderate), PM2

Institute of Medical Genetics and Applied Genomics, University Hospital Tübingen
Classification: Pathogenic for Achromatopsia. Last evaluated: 2024-01-09. Review status: criteria provided, single submitter. Criteria: ACMG Guidelines, 2015. Collection method: clinical testing. Allele origin: germline. Inheritance: Autosomal recessive inheritance. Affected: yes.

Blueprint Genetics
Classification: Pathogenic for GNAT2-related disorders. Last evaluated: 2023-04-25. Review status: criteria provided, single submitter. Criteria: ACMG Guidelines, 2015. Collection method: clinical testing. Allele origin: germline. Affected: yes. Observed: 5 variant alleles.

Genome-Nilou Lab
Classification: Pathogenic for Achromatopsia 4. Last evaluated: 2023-04-11. Review status: criteria provided, single submitter. Criteria: ACMG Guidelines, 2015. Collection method: clinical testing. Allele origin: germline. Affected: no.

Labcorp Genetics (formerly Invitae), Labcorp
Classification: Pathogenic. Last evaluated: 2022-11-20. Review status: criteria provided, single submitter. Criteria: Invitae Variant Classification Sherloc (09022015). Collection method: clinical testing. Allele origin: germline.
Comment: ClinVar contains an entry for this variant (Variation ID: 522772). For these reasons, this variant has been classified as Pathogenic. This premature translational stop signal has been observed in individual(s) with GNAT2-related conditions (PMID: 31058429, 31144483). This variant is present in population databases (rs745308973, gnomAD 0.008%). This sequence change creates a premature translational stop signal (p.Arg161*) in the GNAT2 gene. It is expected to result in an absent or disrupted protein product. Loss-of-function variants in GNAT2 are known to be pathogenic (PMID: 12077706).

GeneDx
Classification: Pathogenic. Last evaluated: 2022-01-25. Review status: criteria provided, single submitter. Criteria: GeneDx Variant Classification Process June 2021. Collection method: clinical testing. Allele origin: germline. Affected: yes.
Comment: Nonsense variant predicted to result in protein truncation or nonsense mediated decay in a gene for which loss-of-function is a known mechanism of disease; Identified in a patient with cone dystrophy in the literature, although additional clinical information was not provided (Kim et al., 2019); This variant is associated with the following publications: (PMID: 31589614, 31144483, 31058429)

Genomic Research Center, Shahid Beheshti University of Medical Sciences
Classification: Pathogenic for Achromatopsia 4. Last evaluated: 2020-05-03. Review status: criteria provided, single submitter. Criteria: ACMG Guidelines, 2015. Collection method: clinical testing. Allele origin: unknown.

Molecular Genetics Laboratory, Institute for Ophthalmic Research
Classification: Pathogenic for Achromatopsia 4. Last evaluated: 2018-06-12. Review status: no assertion criteria provided. Collection method: research. Allele origin: germline. Affected: yes. Not counted in ClinVar's aggregate classification.

Literature cited by the submitters: PubMed 31058429 (cited by Labcorp Genetics (formerly Invitae), Labcorp); PubMed 31144483 (cited by Labcorp Genetics (formerly Invitae), Labcorp); PubMed 12077706 (cited by Labcorp Genetics (formerly Invitae), Labcorp).

NM_001377295.2(GNAT2):c.481C>T (p.Arg161Ter)

Gene: GNAT2 (G protein subunit alpha transducin 2; minus strand). Cytogenetic location: 1p13.3.
Variant type: single nucleotide variant.
Coding change: c.481C>T on transcript NM_001377295.2 (MANE Select); coding-DNA position 481, C replaced by T.
Protein change: p.Arg161Ter; replaces arginine 161 with a stop codon.
Molecular consequence: nonsense.
Genome position (GRCh38, 1-based): chr1:109,606,417, G>A on the plus strand (C>T on the coding strand, the complement: GNAT2 is on the minus strand). VCF-style: chr1-109606417-G-A. GRCh37 (hg19) VCF-style: chr1-110149039-G-A.
Other names: c.481C>T, p.Arg161Ter (NM_001379232.1, NM_005272.5); short protein forms R161*.
Identifiers: ClinVar variation 522772 (VCV000522772.16), dbSNP rs745308973, ClinGen allele CA992406.